The following is an entry in ClinVar:

ClinVar aggregate classification (germline): Pathogenic (1 of 4 stars; one submission).

Conditions:
Mowat-Wilson syndrome (MOWS). Also called: Classic Mowat-Wilson Syndrome. Identifiers: Orphanet 2152, MedGen C1856113, MONDO:0009341, OMIM 235730.

Submission:

Labcorp Genetics (formerly Invitae), Labcorp
Classification: Pathogenic for Mowat-Wilson syndrome. Last evaluated: 2020-09-24. Review status: criteria provided, single submitter. Criteria: Invitae Variant Classification Sherloc (09022015). Collection method: clinical testing. Allele origin: germline.
Comment: This variant is not present in population databases (ExAC no frequency). For these reasons, this variant has been classified as Pathogenic. Loss-of-function variants in ZEB2 are known to be pathogenic (PMID: 16053902). This variant has been observed in individual(s) with clinical features of Mowat-Wilson syndrome (Invitae). This sequence change creates a premature translational stop signal (p.Gln275Asnfs*6) in the ZEB2 gene. It is expected to result in an absent or disrupted protein product.

Literature cited by the submitters: PubMed 16053902.

NM_014795.4(ZEB2):c.818_821dup (p.Gln275fs)

Gene: ZEB2 (zinc finger E-box binding homeobox 2; minus strand). Cytogenetic location: 2q22.3.
Variant type: Duplication.
Coding change: c.818_821dup on transcript NM_014795.4 (MANE Select); coding-DNA positions 818 to 821, 4 bases duplicated (TAAC; older notation c.818_821dupTAAC).
Protein change: p.Gln275fs; shifts the reading frame from glutamine 275.
Molecular consequence: frameshift variant.
Genome position (GRCh38, 1-based): chr2:144,401,294-144,401,297, GTTA duplicated on the plus strand (TAAC on the coding strand, the reverse complement: ZEB2 is on the minus strand); duplicating any 4 consecutive bases within chr2:144,401,294-144,401,298 gives the same sequence; the c. name uses the placement nearest the transcript's 3' end. VCF-style (leftmost placement, unchanged base first): chr2-144401293-G-GGTTA. GRCh37 (hg19) VCF-style: chr2-145158860-G-GGTTA.
Other names: c.746_749dup, p.Gln251fs (NM_001171653.2); short protein forms Q251fs, Q275fs.
Identifiers: ClinVar variation 1072214 (VCV001072214.9), dbSNP rs2149877994, ClinGen allele CA2499214974.